The following is an entry in ClinVar:

NM_002055.5(GFAP):c.593G>A (p.Arg198Gln)

Gene: GFAP (glial fibrillary acidic protein; minus strand). Cytogenetic location: 17q21.31.
Variant type: single nucleotide variant.
Coding change: c.593G>A on transcript NM_002055.5 (MANE Select); coding-DNA position 593, G replaced by A.
Protein change: p.Arg198Gln; replaces arginine 198 with glutamine.
Molecular consequence: missense variant.
Genome position (GRCh38, 1-based): chr17:44,913,753, C>T on the plus strand (G>A on the coding strand, the complement: GFAP is on the minus strand). VCF-style: chr17-44913753-C-T. GRCh37 (hg19) VCF-style: chr17-42991121-C-T.
Other names: p.Arg198Gln; c.593G>A, p.Arg198Gln (NM_001131019.3, NM_001242376.3, NM_001363846.2); short protein forms R198Q.
Identifiers: ClinVar variation 2879108 (VCV002879108.5), dbSNP rs148887665, ClinGen allele CA8608957.

ClinVar aggregate classification (germline): Conflicting classifications of pathogenicity. Review status: criteria provided, conflicting classifications (1 of 4 stars). 3 submissions from 3 submitters: Uncertain significance (2); Likely benign (1). Last evaluated 2026-01-19.

Conditions:
Hereditary spastic paraplegia. Also called: Familial spastic paraparesis. Identifiers: Orphanet 685, MedGen C0037773, MONDO:0019064. Disease mechanism: loss of function.

Allele frequency attached by ClinVar (database versions not stated): ExAC 0.00001; TOPMed 0.00003; gnomAD 0.00005; ESP Exome Variant Server 0.00008.
gnomAD v4.1: 27 of 1,613,914 alleles (0.0017%); highest among the groups gnomAD compares: African/African-American, 0.0053%; no homozygotes.

Submissions (3):

Labcorp Genetics (formerly Invitae), Labcorp
Classification: Uncertain significance. Last evaluated: 2026-01-19. Review status: criteria provided, single submitter. Criteria: Invitae Variant Classification Sherloc (09022015). Collection method: clinical testing. Allele origin: germline.
Comment: This sequence change replaces arginine, which is basic and polar, with glutamine, which is neutral and polar, at codon 198 of the GFAP protein (p.Arg198Gln). This variant is present in population databases (rs148887665, gnomAD 0.006%). This variant has not been reported in the literature in individuals affected with GFAP-related conditions. ClinVar contains an entry for this variant (Variation ID: 2879108). Invitae Evidence Modeling of protein sequence and biophysical properties (such as structural, functional, and spatial information, amino acid conservation, physicochemical variation, residue mobility, and thermodynamic stability) indicates that this missense variant is not expected to disrupt GFAP protein function with a negative predictive value of 95%. In summary, the available evidence is currently insufficient to determine the role of this variant in disease. Therefore, it has been classified as a Variant of Uncertain Significance.

Mayo Clinic Laboratories, Mayo Clinic
Classification: Uncertain significance. Last evaluated: 2025-11-20. Review status: criteria provided, single submitter. Criteria: ACMG Guidelines, 2015. Collection method: clinical testing. Allele origin: germline. Observed: 1 variant allele.
Comment: BP4_moderate

Cambridge Genomics Laboratory, East Genomic Laboratory Hub, NHS Genomic Medicine Service
Classification: Likely benign for Hereditary spastic paraplegia. Last evaluated: 2019-09-26. Review status: criteria provided, single submitter. Criteria: ACGS Best Practice Guidelines for Variant Classification in Rare Disease 2020. Collection method: clinical testing. Allele origin: germline. Affected: yes. Observed: 1 variant allele.